The following is an entry in ClinVar:

NM_207122.2(EXT2):c.782_783del (p.Leu261fs)

Gene: EXT2 (exostosin glycosyltransferase 2; plus strand). Cytogenetic location: 11p11.2.
Variant type: Microsatellite.
Coding change: c.782_783del on transcript NM_207122.2 (MANE Select); coding-DNA positions 782 to 783, 2 bases deleted (TC; older notation c.782_783delTC).
Protein change: p.Leu261fs; shifts the reading frame from leucine 261.
Molecular consequence: frameshift variant.
Genome position (GRCh38, 1-based): chr11:44,124,827-44,124,828, TC deleted; deleting any 2 consecutive bases within chr11:44,124,825-44,124,828 gives the same sequence; the c. name uses the placement nearest the transcript's 3' end. VCF-style (leftmost placement, unchanged base first): chr11-44124824-GTC-G. GRCh37 (hg19) VCF-style: chr11-44146374-GTC-G.
Other names: c.881_882del, p.Leu294fs (NM_000401.3); c.782_783del, p.Leu261fs (NM_001178083.3); short protein forms L261fs, L294fs.
Identifiers: ClinVar variation 917883 (VCV000917883.2), dbSNP rs1954374127, ClinGen allele CA1139661899.

ClinVar aggregate classification (germline): Pathogenic (1 of 4 stars; one submission).

Conditions:
Exostoses, multiple, type 2 (EXT2). Also called: Hereditary Multiple Osteochondromatosis, Type II; EXOSTOSES, MULTIPLE, TYPE II. Identifiers: Orphanet 321, MedGen C1851413, MONDO:0007586, OMIM 133701.

Submission:

Service de Biochimie Médicale et Biologie Moléculaire, CHU Clermont-Ferrand
Classification: Pathogenic for Exostoses, multiple, type 2. Last evaluated: 2020-05-13. Review status: criteria provided, single submitter. Criteria: ACMG Guidelines, 2015. Collection method: clinical testing. Allele origin: unknown. Inheritance: Autosomal dominant inheritance. Affected: yes. Observed: 1 heterozygote.
Comment: PVS1+PM2+PP3